The following is an entry in ClinVar:

NM_019108.4(SMG9):c.588+10G>A

Gene: SMG9 (SMG9 nonsense mediated mRNA decay factor; minus strand). Cytogenetic location: 19q13.31.
Variant type: single nucleotide variant.
Coding change: c.588+10G>A on transcript NM_019108.4 (MANE Select); 10 bases into the intron after coding-DNA position 588, G replaced by A.
Molecular consequence: intron variant.
Genome position (GRCh38, 1-based): chr19:43,747,432, C>T on the plus strand (G>A on the coding strand, the complement: SMG9 is on the minus strand). VCF-style: chr19-43747432-C-T. GRCh37 (hg19) VCF-style: chr19-44251584-C-T.
Identifiers: ClinVar variation 3049841 (VCV003049841.2), dbSNP rs184145466, ClinGen allele CA9491474.

ClinVar aggregate classification (germline): Likely benign (0 of 4 stars; one submission).

Conditions:
SMG9-related disorder. Also called: SMG9-related condition.

Allele frequency attached by ClinVar (database versions not stated): gnomAD exomes 0.00003; ExAC 0.00005; gnomAD 0.00005; TOPMed 0.00008; ESP Exome Variant Server 0.00015; 1000 Genomes Project 0.00020; 1000 Genomes Project 30x 0.00031.
gnomAD v4.1: 60 of 1,611,938 alleles (0.0037%); highest among the groups gnomAD compares: Admixed American, 0.02%; no homozygotes.

Submission:

PreventionGenetics, part of Exact Sciences
Classification: Likely benign for SMG9-related condition. Last evaluated: 2019-07-22. Review status: no assertion criteria provided. Collection method: clinical testing. Allele origin: germline.
Comment: This variant is classified as likely benign based on ACMG/AMP sequence variant interpretation guidelines (Richards et al. 2015 PMID: 25741868, with internal and published modifications).